The following is an entry in ClinVar:

ClinVar aggregate classification (germline): Benign. Review status: criteria provided, multiple submitters, no conflicts (2 of 4 stars). 6 submissions from 6 submitters: Benign (6). Last evaluated 2026-02-04.

Conditions:
Pseudohypoparathyroidism type 1B (PHP1B). Also called: Pseudohypoparathyroidism Type IB; PHP IB; Pseudohypoparathyroidism Ib (PHP-Ib). Identifiers: Orphanet 94089, MedGen C1864100, MONDO:0011301, OMIM 603233.

Allele frequency attached by ClinVar (database versions not stated): 1000 Genomes Project 0.47444; 1000 Genomes Project 30x 0.47517; TOPMed 0.50110; ExAC 0.50207; ESP Exome Variant Server 0.51639.
gnomAD v4.1: 832,777 of 1,609,424 alleles (52%); highest among the groups gnomAD compares: Middle Eastern, 54%; 216,791 homozygotes.

Submissions (6):

Labcorp Genetics (formerly Invitae), Labcorp
Classification: Benign. Last evaluated: 2026-02-04. Review status: criteria provided, single submitter. Criteria: Invitae Variant Classification Sherloc (09022015). Collection method: clinical testing. Allele origin: germline.

Blueprint Genetics
Classification: Benign. Last evaluated: 2024-11-28. Review status: criteria provided, single submitter. Criteria: ACMG Guidelines, 2015. Collection method: clinical testing. Allele origin: germline.

Genome-Nilou Lab
Classification: Benign for Pseudohypoparathyroidism type 1B. Last evaluated: 2021-07-15. Review status: criteria provided, single submitter. Criteria: ACMG Guidelines, 2015. Collection method: clinical testing. Allele origin: germline. Affected: no.

GeneDx
Classification: Benign. Last evaluated: 2021-05-04. Review status: criteria provided, single submitter. Criteria: GeneDx Variant Classification Process June 2021. Collection method: clinical testing. Allele origin: germline. Affected: yes.

Illumina Laboratory Services, Illumina
Classification: Benign for Pseudohypoparathyroidism type 1B. Last evaluated: 2018-01-13. Review status: criteria provided, single submitter. Criteria: ICSL Variant Classification Criteria 13 December 2019. Collection method: clinical testing. Allele origin: germline.
Comment: This variant was observed in the ICSL laboratory as part of a predisposition screen in an ostensibly healthy population. It had not been previously curated by ICSL or reported in the Human Gene Mutation Database (HGMD: prior to June 1st, 2018), and was therefore a candidate for classification through an automated scoring system. Utilizing variant allele frequency, disease prevalence and penetrance estimates, and inheritance mode, an automated score was calculated to assess if this variant is too frequent to cause the disease. Based on the score and internal cut-off values, a variant classified as benign is not then subjected to further curation. The score for this variant resulted in a classification of benign for this disease.

Breakthrough Genomics
Classification: Benign. Review status: criteria provided, single submitter. Criteria: ACMG Guidelines, 2015. Collection method: not provided. Allele origin: germline. Inheritance: Autosomal dominant inheritance. Affected: yes.

NM_001001433.3(STX16):c.540G>A (p.Gln180=)

Genes: STX16 (syntaxin 16; plus strand), STX16-NPEPL1 (STX16-NPEPL1 readthrough (NMD candidate); plus strand). Cytogenetic location: 20q13.32.
Variant type: single nucleotide variant.
Coding change: c.540G>A on transcript NM_001001433.3 (MANE Select); coding-DNA position 540, G replaced by A.
Protein change: p.Gln180=; no amino-acid change (glutamine 180 retained).
Molecular consequence: synonymous variant. On other transcripts: non-coding transcript variant (1).
Genome position (GRCh38, 1-based): chr20:58,669,437, G>A. VCF-style: chr20-58669437-G-A. GRCh37 (hg19) VCF-style: chr20-57244493-G-A.
Other names: c.528G>A, p.Gln176= (NM_001134772.3); c.489G>A, p.Gln163= (NM_001134773.3); c.381G>A, p.Gln127= (NM_001204868.2); c.477G>A, p.Gln159= (NM_003763.6).
Identifiers: ClinVar variation 339050 (VCV000339050.15), dbSNP rs2296524, ClinGen allele CA9925349.